The following is an entry in ClinVar:

ClinVar aggregate classification (germline): Benign (1 of 4 stars; one submission).

Submission:

GeneDx
Classification: Benign. Last evaluated: 2018-06-16. Review status: criteria provided, single submitter. Criteria: GeneDx Variant Classification (06012015). Collection method: clinical testing. Allele origin: germline. Affected: yes.
Comment: This variant is considered likely benign or benign based on one or more of the following criteria: it is a conservative change, it occurs at a poorly conserved position in the protein, it is predicted to be benign by multiple in silico algorithms, and/or has population frequency not consistent with disease.

NM_004456.5(EZH2):c.1948-29dup

Gene: EZH2 (enhancer of zeste 2 polycomb repressive complex 2 subunit; minus strand). Cytogenetic location: 7q36.1.
Variant type: Duplication.
Coding change: c.1948-29dup on transcript NM_004456.5 (MANE Select); 29 bases into the intron before coding-DNA position 1948, one base duplicated (A; older notation c.1948-29dupA).
Molecular consequence: intron variant.
Genome position (GRCh38, 1-based): chr7:148,810,443, T duplicated on the plus strand (A on the coding strand, the reverse complement: EZH2 is on the minus strand); the first of 4 consecutive T bases (chr7:148,810,443-148,810,446); duplicating any one gives the same sequence. VCF-style (leftmost placement, unchanged base first): chr7-148810442-C-CT. GRCh37 (hg19) VCF-style: chr7-148507534-C-CT.
Other names: c.1948-29_1948-28insA (NM_004456.4); c.1906-29dup (NM_001203248.2); c.1816-29dup (NM_152998.3); c.1933-29dup (NM_001203247.2); c.1780-29dup (NM_001203249.2).
Identifiers: ClinVar variation 673587 (VCV000673587.1), dbSNP rs146223228, ClinGen allele CA4547744.